The following is an entry in ClinVar:

ClinVar aggregate classification (germline): Uncertain significance (1 of 4 stars; one submission).

gnomAD v4.1: 54 of 1,612,848 alleles (0.0033%); highest among the groups gnomAD compares: Middle Eastern, 0.12%; no homozygotes.

Submission:

Labcorp Genetics (formerly Invitae), Labcorp
Classification: Uncertain significance. Last evaluated: 2025-02-20. Review status: criteria provided, single submitter. Criteria: Invitae Variant Classification Sherloc (09022015). Collection method: clinical testing. Allele origin: germline.
Comment: This sequence change replaces cysteine, which is neutral and slightly polar, with tryptophan, which is neutral and slightly polar, at codon 4360 of the RNF213 protein (p.Cys4360Trp). This variant is present in population databases (rs780781296, gnomAD 0.006%). This variant has not been reported in the literature in individuals affected with RNF213-related conditions. Invitae Evidence Modeling of protein sequence and biophysical properties (such as structural, functional, and spatial information, amino acid conservation, physicochemical variation, residue mobility, and thermodynamic stability) indicates that this missense variant is not expected to disrupt RNF213 protein function with a negative predictive value of 95%. In summary, the available evidence is currently insufficient to determine the role of this variant in disease. Therefore, it has been classified as a Variant of Uncertain Significance.

NM_001256071.3(RNF213):c.13080C>G (p.Cys4360Trp)

Genes: RNF213 (ring finger protein 213; plus strand), RNF213-AS1 (RNF213 antisense RNA 1; minus strand). Cytogenetic location: 17q25.3.
Variant type: single nucleotide variant.
Coding change: c.13080C>G on transcript NM_001256071.3 (MANE Select); coding-DNA position 13080, C replaced by G.
Protein change: p.Cys4360Trp; replaces cysteine 4360 with tryptophan.
Molecular consequence: missense variant.
Genome position (GRCh38, 1-based): chr17:80,375,765, C>G. VCF-style: chr17-80375765-C-G. GRCh37 (hg19) VCF-style: chr17-78349565-C-G.
Other names: c.13227C>G, p.Cys4409Trp (NM_001410195.1, NM_020914.5); short protein forms C4360W, C4409W.
Identifiers: ClinVar variation 4810496 (VCV004810496.1).
Genomic context (GRCh38, chr17:80,375,765, plus strand): 5'-AAAAAAAAGATGTGTTGAGCTTTTAAATTCTTACTTGATACCCTTGATTTTGCAGGCCTG[C>G]AAGACCCCCCAAAGCCAGCAGTCAGCCTACTTCCTGTTAACACTGTTTAGAGAGGTGGCT-3'
Protein context (NP_001243000.2, residues 4350-4370): PLGIKTALKA[Cys4360Trp]KTPQSQQSAY